The following is an entry in ClinVar:

NM_000548.5(TSC2):c.865G>A (p.Ala289Thr)

Gene: TSC2 (TSC complex subunit 2; plus strand). Cytogenetic location: 16p13.3.
Variant type: single nucleotide variant.
Coding change: c.865G>A on transcript NM_000548.5 (MANE Select); coding-DNA position 865, G replaced by A.
Protein change: p.Ala289Thr; replaces alanine 289 with threonine.
Molecular consequence: missense variant.
Genome position (GRCh38, 1-based): chr16:2,058,763, G>A. VCF-style: chr16-2058763-G-A. GRCh37 (hg19) VCF-style: chr16-2108764-G-A.
Other names: c.865G>A, p.Ala289Thr (NM_001077183.3, NM_001114382.3, NM_001363528.2 and 3 more transcripts); c.754G>A, p.Ala252Thr (NM_001318827.2); c.718G>A, p.Ala240Thr (NM_001318829.2); c.265G>A, p.Ala89Thr (NM_001318831.2); c.898G>A, p.Ala300Thr (NM_001318832.2); short protein forms A289T, A89T, A252T, A240T, A300T.
Identifiers: ClinVar variation 842589 (VCV000842589.14), dbSNP rs750060649, ClinGen allele CA056616.

ClinVar aggregate classification (germline): Conflicting classifications of pathogenicity. Review status: criteria provided, conflicting classifications (1 of 4 stars). 2 submissions from 2 submitters: Uncertain significance (1); Benign (1). Last evaluated 2026-03-06.

Conditions:
Hereditary cancer-predisposing syndrome. Also called: Hereditary Cancer Syndrome; Tumor predisposition; Neoplastic Syndromes, Hereditary; Hereditary neoplastic syndrome. Identifiers: Orphanet 140162, MedGen C0027672, MeSH D009386, MONDO:0015356.
Tuberous sclerosis 2 (TSC2). Identifiers: Orphanet 805, MedGen C1860707, MONDO:0013199, OMIM 613254.

Allele frequency attached by ClinVar (database versions not stated): gnomAD exomes 0.00001; ExAC 0.00003.
gnomAD v4.1: 8 of 1,585,882 alleles (0.0005%); highest among the groups gnomAD compares: South Asian, 0.0023%; no homozygotes.

Submissions (2):

Ambry Genetics
Classification: Uncertain significance for Hereditary cancer-predisposing syndrome. Last evaluated: 2026-03-06. Review status: criteria provided, single submitter. Criteria: Ambry Variant Classification Scheme 2023. Collection method: clinical testing. Allele origin: germline.
Comment: The p.A289T variant (also known as c.865G>A), located in coding exon 9 of the TSC2 gene, results from a G to A substitution at nucleotide position 865. The alanine at codon 289 is replaced by threonine, an amino acid with similar properties. This variant was detected as heterozygous in individual(s) with no reported features of tuberous sclerosis complex (Ambry internal data). This amino acid position is highly conserved in available vertebrate species. In addition, the in silico prediction for this alteration is inconclusive. Based on the available evidence, the clinical significance of this variant remains unclear. Based on the available evidence, the clinical significance of this variant remains unclear.

Labcorp Genetics (formerly Invitae), Labcorp
Classification: Benign for Tuberous sclerosis 2. Last evaluated: 2024-04-07. Review status: criteria provided, single submitter. Criteria: Invitae Variant Classification Sherloc (09022015). Collection method: clinical testing. Allele origin: germline.